The following is an entry in ClinVar:

ClinVar aggregate classification (germline): Benign. Review status: criteria provided, multiple submitters, no conflicts (2 of 4 stars). 4 submissions from 4 submitters: Benign (3). 1 of the submissions does not count toward it. Last evaluated 2026-01-28.

Conditions:
HYCC1-related disorder. Also called: HYCC1-related condition.
Hypomyelination and Congenital Cataract (HLD5). Also called: hypomyelinating leukodystrophy 5. Identifiers: Orphanet 85163, MedGen C1864663, MONDO:0012514, OMIM 610532.

Allele frequency attached by ClinVar (database versions not stated): gnomAD exomes 0.00058 and 0.00142; ExAC 0.00170; 1000 Genomes Project 0.00379; 1000 Genomes Project 30x 0.00453; gnomAD 0.00484 and 0.00527; TOPMed 0.00554; ESP Exome Variant Server 0.00654.
gnomAD v4.1: 1,599 of 1,606,440 alleles (0.1%); highest among the groups gnomAD compares: African/African-American, 1.8%; 14 homozygotes.

Submissions (4):

Labcorp Genetics (formerly Invitae), Labcorp
Classification: Benign for Hypomyelination and Congenital Cataract. Last evaluated: 2026-01-28. Review status: criteria provided, single submitter. Criteria: Invitae Variant Classification Sherloc (09022015). Collection method: clinical testing. Allele origin: germline.

Mayo Clinic Laboratories, Mayo Clinic
Classification: Benign. Last evaluated: 2022-06-03. Review status: criteria provided, single submitter. Criteria: ACMG Guidelines, 2015. Collection method: clinical testing. Allele origin: germline. Observed: 3 variant alleles.
Comment: BS1, BS2

Illumina Laboratory Services, Illumina
Classification: Benign for Hypomyelination and Congenital Cataract. Last evaluated: 2018-01-12. Review status: criteria provided, single submitter. Criteria: ICSL Variant Classification Criteria 13 December 2019. Collection method: clinical testing. Allele origin: germline.
Comment: This variant was observed in the ICSL laboratory as part of a predisposition screen in an ostensibly healthy population. It had not been previously curated by ICSL or reported in the Human Gene Mutation Database (HGMD: prior to June 1st, 2018), and was therefore a candidate for classification through an automated scoring system. Utilizing variant allele frequency, disease prevalence and penetrance estimates, and inheritance mode, an automated score was calculated to assess if this variant is too frequent to cause the disease. Based on the score and internal cut-off values, a variant classified as benign is not then subjected to further curation. The score for this variant resulted in a classification of benign for this disease.

PreventionGenetics, part of Exact Sciences
Classification: Benign for HYCC1-related condition. Last evaluated: 2019-05-22. Review status: no assertion criteria provided. Collection method: clinical testing. Allele origin: germline. Not counted in ClinVar's aggregate classification.
Comment: This variant is classified as benign based on ACMG/AMP sequence variant interpretation guidelines (Richards et al. 2015 PMID: 25741868, with internal and published modifications).

NM_032581.4(HYCC1):c.1555T>C (p.Ser519Pro)

Gene: HYCC1 (hyccin PI4KA lipid kinase complex subunit 1; minus strand). Cytogenetic location: 7p15.3.
Variant type: single nucleotide variant.
Coding change: c.1555T>C on transcript NM_032581.4 (MANE Select); coding-DNA position 1555, T replaced by C.
Protein change: p.Ser519Pro; replaces serine 519 with proline.
Molecular consequence: missense variant. On other transcripts: 3 prime UTR variant (2).
Genome position (GRCh38, 1-based): chr7:22,945,600, A>G on the plus strand (T>C on the coding strand, the complement: HYCC1 is on the minus strand). VCF-style: chr7-22945600-A-G. GRCh37 (hg19) VCF-style: chr7-22985219-A-G.
Other names: p.Ser519Pro; c.*591T>C (NM_001363466.2); c.*549T>C (NM_001363467.2); short protein forms S519P.
Identifiers: ClinVar variation 359768 (VCV000359768.16), dbSNP rs76265662, ClinGen allele CA4185701.